The following is an entry in ClinVar:

ClinVar aggregate classification (germline): Uncertain significance (1 of 4 stars; one submission).

Conditions:
Severe combined immunodeficiency due to DNA-PKcs deficiency. Also called: IMMUNODEFICIENCY 26 WITH NEUROLOGIC ABNORMALITIES; Immunodeficiency 26 with or without neurologic abnormalities. Identifiers: Orphanet 317425, MedGen C4014833, MONDO:0014423, OMIM 615966.

Submission:

Labcorp Genetics (formerly Invitae), Labcorp
Classification: Uncertain significance for Severe combined immunodeficiency due to DNA-PKcs deficiency. Last evaluated: 2025-12-09. Review status: criteria provided, single submitter. Criteria: Invitae Variant Classification Sherloc (09022015). Collection method: clinical testing. Allele origin: germline.
Comment: This sequence change replaces arginine, which is basic and polar, with lysine, which is basic and polar, at codon 2800 of the PRKDC protein (p.Arg2800Lys). This variant is not present in population databases (gnomAD no frequency). This variant has not been reported in the literature in individuals affected with PRKDC-related conditions. An algorithm developed to predict the effect of missense changes on protein structure and function outputs the following: PolyPhen-2: "Not Available". The lysine amino acid residue is found in multiple mammalian species, which suggests that this missense change does not adversely affect protein function. In summary, the available evidence is currently insufficient to determine the role of this variant in disease. Therefore, it has been classified as a Variant of Uncertain Significance.

NM_006904.7(PRKDC):c.8399G>A (p.Arg2800Lys)

Gene: PRKDC (protein kinase, DNA-activated, catalytic subunit; minus strand). Cytogenetic location: 8q11.21.
Variant type: single nucleotide variant.
Coding change: c.8399G>A on transcript NM_006904.7 (MANE Select); coding-DNA position 8399, G replaced by A.
Protein change: p.Arg2800Lys; replaces arginine 2800 with lysine.
Molecular consequence: missense variant.
Genome position (GRCh38, 1-based): chr8:47,828,346, C>T on the plus strand (G>A on the coding strand, the complement: PRKDC is on the minus strand). VCF-style: chr8-47828346-C-T. GRCh37 (hg19) VCF-style: chr8-48740907-C-T.
Other names: c.8399G>A, p.Arg2800Lys (NM_001081640.2); short protein forms R2800K.
Identifiers: ClinVar variation 4732441 (VCV004732441.1).